The following is an entry in ClinVar:

NM_000051.4(ATM):c.4375G>A (p.Gly1459Arg)

Gene: ATM (ATM serine/threonine kinase; plus strand). Cytogenetic location: 11q22.3.
Variant type: single nucleotide variant.
Coding change: c.4375G>A on transcript NM_000051.4 (MANE Select); coding-DNA position 4375, G replaced by A.
Protein change: p.Gly1459Arg; replaces glycine 1459 with arginine.
Molecular consequence: missense variant.
Genome position (GRCh38, 1-based): chr11:108,289,740, G>A. VCF-style: chr11-108289740-G-A. GRCh37 (hg19) VCF-style: chr11-108160467-G-A.
Other names: p.G1459R:GGA>AGA; c.4375G>A, p.Gly1459Arg (NM_001351834.2); short protein forms G1459R.
Identifiers: ClinVar variation 127387 (VCV000127387.62), dbSNP rs145667735, ClinGen allele CA286846.
Genomic context (GRCh38, chr11:108,289,740, plus strand): 5'-CTTAAAATATATCACCTGTTTGTTAGTTTATTACTGAAAGATATAAAAAGTGGCTTAGGA[G>A]GAGCTTGGGCCTTTGTTCTTCGAGACGTTATTTATACTTTGATTCACTATATCAACCAAA-3'
Protein context (NP_000042.3, residues 1449-1469): LLKDIKSGLG[Gly1459Arg]AWAFVLRDVI

ClinVar aggregate classification (germline): Conflicting classifications of pathogenicity. Review status: criteria provided, conflicting classifications (1 of 4 stars). 22 submissions from 22 submitters: Uncertain significance (20); Likely benign (1). 1 of the submissions does not count toward it. Last evaluated 2026-08-01.

Conditions:
ATM-related cancer predisposition. Also called: ATM-related cancer susceptibility. Identifiers: MedGen CN377759, MONDO:0700270.
ATM-related disorder. Also called: ATM-related disorders; ATM-related condition.
Hereditary cancer-predisposing syndrome. Also called: Neoplastic Syndromes, Hereditary; Hereditary Cancer Syndrome; Tumor predisposition; Hereditary neoplastic syndrome. Identifiers: Orphanet 140162, MedGen C0027672, MeSH D009386, MONDO:0015356.
Ataxia-telangiectasia syndrome (AT). Also called: LOUIS-BAR SYNDROME; Cerebello-oculocutaneous telangiectasia; Immunodeficiency with ataxia telangiectasia; Ataxia-telangiectasia, complementation group E; Ataxia telangiectasia (A-T); Ataxia-telangiectasia, complementation group D. Identifiers: Orphanet 100, MedGen C0004135, MONDO:0008840, OMIM 208900.
Familial cancer of breast. Also called: hereditary breast carcinoma; BREAST CANCER, FAMILIAL; Hereditary breast cancer. Identifiers: Orphanet 227535, MedGen C0346153, MONDO:0016419, OMIM 114480. Disease mechanism: loss of function.
Hereditary breast ovarian cancer syndrome. Also called: Hereditary breast and ovarian cancer syndrome; Breast and ovarian cancer; BRCA1- and BRCA2-Associated Hereditary Breast and Ovarian Cancer; Hereditary breast and ovarian cancer; Hereditary breast and ovarian cancer syndrome (HBOC); Hereditary breast and/or ovarian cancer syndrome. Identifiers: Orphanet 145, MedGen C0677776, MeSH D061325, MONDO:0003582. Disease mechanism: loss of function.

Allele frequency attached by ClinVar (database versions not stated): ExAC 0.00003; gnomAD exomes 0.00005; gnomAD 0.00012; TOPMed 0.00014; ESP Exome Variant Server 0.00023.
gnomAD v4.1: 272 of 1,613,574 alleles (0.017%); highest among the groups gnomAD compares: Non-Finnish European, 0.021%; no homozygotes.

Submissions 1 to 8 of 22:

CeGaT Center for Human Genetics Tuebingen
Classification: Uncertain significance. Last evaluated: 2026-08-01. Review status: criteria provided, single submitter. Criteria: CeGaT Center For Human Genetics Tuebingen Variant Classification Criteria Version 2. Collection method: clinical testing. Allele origin: germline. Affected: yes. Observed: 1 variant allele.
Comment: ATM: PM2

Labcorp Genetics (formerly Invitae), Labcorp
Classification: Uncertain significance for Ataxia-telangiectasia syndrome. Last evaluated: 2026-02-03. Review status: criteria provided, single submitter. Criteria: Invitae Variant Classification Sherloc (09022015). Collection method: clinical testing. Allele origin: germline.
Comment: This sequence change replaces glycine, which is neutral and non-polar, with arginine, which is basic and polar, at codon 1459 of the ATM protein (p.Gly1459Arg). This variant is present in population databases (rs145667735, gnomAD 0.01%). This missense change has been observed in individual(s) with breast cancer and/or prostate cancer (PMID: 17623063, 25980754, 26976419, 29458332, 30374176, 33436325). ClinVar contains an entry for this variant (Variation ID: 127387). Invitae Evidence Modeling of protein sequence and biophysical properties (such as structural, functional, and spatial information, amino acid conservation, physicochemical variation, residue mobility, and thermodynamic stability) indicates that this missense variant is not expected to disrupt ATM protein function with a negative predictive value of 95%. In summary, the available evidence is currently insufficient to determine the role of this variant in disease. Therefore, it has been classified as a Variant of Uncertain Significance.

Women's Health and Genetics/Laboratory Corporation of America, LabCorp
Classification: Uncertain significance. Last evaluated: 2025-07-18. Review status: criteria provided, single submitter. Criteria: LabCorp Variant Classification Summary - May 2015. Collection method: clinical testing. Allele origin: germline.
Comment: Variant summary: ATM c.4375G>A (p.Gly1459Arg) results in a non-conservative amino acid change in the encoded protein sequence. Algorithms developed to predict the effect of missense changes on protein structure and function are either unavailable or do not agree on the potential impact of this missense change. The variant allele was found at a frequency of 0.00017 in 1613574 control chromosomes. This frequency is not significantly higher than estimated for a pathogenic variant in ATM causing Ataxia-telangiectasia syndrome (0.00017 vs 0.0035), allowing no conclusion about variant significance. c.4375G>A has been reported in the literature in settings of multigene panel testing in individuals affected with breast/colorectal/pediatric and other cancers (example, Edvardsen_2007, Tung_2016, Yurgelun_2015, Dominguez-Valentin_2018, Zhang_2015, Tsai_2019) but also in controls (example, Tavtigian_2009, Dorling_2021). These report(s) do not provide unequivocal conclusions about association of the variant with ATM-related conditions. To our knowledge, no experimental evidence demonstrating an impact on protein function has been reported. The following publications have been ascertained in the context of this evaluation (PMID: 29458332, 17623063, 19781682, 30374176, 26976419, 25980754, 26580448, 35098669, 38522067, 34200508, 33436325, 36966138, 37773632, 36315919, 38136308, 37097610, 34488871, 38781545, 28714976). ClinVar contains an entry for this variant (Variation ID: 127387). Based on the evidence outlined above, the variant was classified as uncertain significance.

Ambry Genetics
Classification: Uncertain significance for Hereditary cancer-predisposing syndrome. Last evaluated: 2025-06-10. Review status: criteria provided, single submitter. Criteria: Ambry Variant Classification Scheme 2023. Collection method: clinical testing. Allele origin: germline.
Comment: The p.G1459R variant (also known as c.4375G>A), located in coding exon 28 of the ATM gene, results from a G to A substitution at nucleotide position 4375. The glycine at codon 1459 is replaced by arginine, an amino acid with dissimilar properties. This alteration has been detected in individuals diagnosed with breast cancer and healthy controls across numerous studies (Tavtigian S et al. Am. J. Hum. Genet. 2009 Oct;85:427-46; Decker B et al. J. Med. Genet. 2017 Nov;54:732-741; Tung N et al. J. Clin. Oncol. 2016 May;34:1460-8; Edvardsen H et al. Radiat Oncol. 2007 Jul;2:25). There is no significant difference between the population frequency in our internal test cohort and the Genome Aggregation Database (gnomAD) (Ambry internal data). This amino acid position is highly conserved in available vertebrate species. In addition, this alteration is predicted to be deleterious by in silico analysis. Based on the available evidence, the clinical significance of this variant remains unclear.

Color Diagnostics, LLC DBA Color Health
Classification: Uncertain significance for Hereditary cancer-predisposing syndrome. Last evaluated: 2025-04-01. Review status: criteria provided, single submitter. Criteria: ACMG Guidelines, 2015. Collection method: clinical testing. Allele origin: germline.
Comment: This missense variant replaces glycine with arginine at codon 1459 of the ATM protein. Computational prediction is inconclusive regarding the impact of this variant on protein structure and function. To our knowledge, functional studies have not been reported for this variant. The variant has been reported in individuals affected with breast cancer (PMID: 17623063, 26976419, 28779002, 33471991), prostate cancer (PMID: 33436325), colorectal cancer (PMID: 29458332), an individual suspected of Lynch syndrome (PMID: 25980754), and in healthy controls (PMID: 19781682, 28779002, 33471991). This variant has also been identified in 16/282612 chromosomes in the general population by the Genome Aggregation Database (gnomAD). The available evidence is insufficient to determine the role of this variant in disease conclusively. Therefore, this variant is classified as a Variant of Uncertain Significance.

Center for Genomic Medicine, Rigshospitalet, Copenhagen University Hospital
Classification: Uncertain significance. Last evaluated: 2025-03-04. Review status: criteria provided, single submitter. Criteria: ACMG Guidelines, 2015. Collection method: clinical testing. Allele origin: germline.

GeneDx
Classification: Uncertain significance. Last evaluated: 2025-01-15. Review status: criteria provided, single submitter. Criteria: GeneDx Variant Classification Process June 2021. Collection method: clinical testing. Allele origin: germline. Affected: yes.
Comment: Not observed at significant frequency in large population cohorts (gnomAD); In silico analysis supports that this missense variant has a deleterious effect on protein structure/function; Observed in individuals with leukemia, breast cancer, and Lynch-syndrome associated cancers and/or polyps but also in healthy controls (PMID: 17623063, 19781682, 25980754, 26580448, 26976419, 28652578, 28779002, 29458332, 30374176, 33471991); This variant is associated with the following publications: (PMID: 19781682, 26976419, 28779002, 25980754, 17623063, 29458332, 30374176, 26580448, 28652578, 33436325, 35098669, 33471991)

Department of Pathology and Laboratory Medicine, Sinai Health System
Classification: Uncertain significance for ATM-related cancer predisposition. Last evaluated: 2024-12-23. Review status: criteria provided, single submitter. Criteria: ACMG Guidelines, 2015. Collection method: clinical testing. Allele origin: germline.